The following is an entry in ClinVar:

NM_015041.3(CLUAP1):c.293T>C (p.Leu98Pro)

Gene: CLUAP1 (clusterin associated protein 1; plus strand). Cytogenetic location: 16p13.3.
Variant type: single nucleotide variant.
Coding change: c.293T>C on transcript NM_015041.3 (MANE Select); coding-DNA position 293, T replaced by C.
Protein change: p.Leu98Pro; replaces leucine 98 with proline.
Molecular consequence: missense variant.
Genome position (GRCh38, 1-based): chr16:3,508,362, T>C. VCF-style: chr16-3508362-T-C. GRCh37 (hg19) VCF-style: chr16-3558362-T-C.
Other names: c.293T>C, p.Leu98Pro (NM_001330454.2); short protein forms L98P.
Identifiers: ClinVar variation 2115307 (VCV002115307.4), dbSNP rs2543932057, ClinGen allele CA394512284.

ClinVar aggregate classification (germline): Uncertain significance (1 of 4 stars; one submission).

Submission:

Labcorp Genetics (formerly Invitae), Labcorp
Classification: Uncertain significance. Last evaluated: 2022-03-20. Review status: criteria provided, single submitter. Criteria: Invitae Variant Classification Sherloc (09022015). Collection method: clinical testing. Allele origin: germline.
Comment: This sequence change replaces leucine, which is neutral and non-polar, with proline, which is neutral and non-polar, at codon 98 of the CLUAP1 protein (p.Leu98Pro). This variant is not present in population databases (gnomAD no frequency). This variant has not been reported in the literature in individuals affected with CLUAP1-related conditions. Algorithms developed to predict the effect of missense changes on protein structure and function are either unavailable or do not agree on the potential impact of this missense change (SIFT: "Deleterious"; PolyPhen-2: "Probably Damaging"; Align-GVGD: "Class C0"). In summary, the available evidence is currently insufficient to determine the role of this variant in disease. Therefore, it has been classified as a Variant of Uncertain Significance.